The following is an entry in ClinVar:

NM_001379110.1(SLC9A6):c.1142T>C (p.Leu381Pro)

Gene: SLC9A6 (solute carrier family 9 member A6; plus strand). Cytogenetic location: Xq26.3.
Variant type: single nucleotide variant.
Coding change: c.1142T>C on transcript NM_001379110.1 (MANE Select); coding-DNA position 1142, T replaced by C.
Protein change: p.Leu381Pro; replaces leucine 381 with proline.
Molecular consequence: missense variant.
Genome position (GRCh38, 1-based): chrX:136,016,706, T>C. VCF-style: chrX-136016706-T-C. GRCh37 (hg19) VCF-style: chrX-135098865-T-C.
Other names: c.1298T>C, p.Leu433Pro (NM_001042537.2); c.1142T>C, p.Leu381Pro (NM_001177651.2, NM_001400909.1, NM_001400910.1 and 2 more transcripts); c.1046T>C, p.Leu349Pro (NM_001330652.2, NM_001400913.1); c.1202T>C, p.Leu401Pro (NM_006359.3); short protein forms L349P, L381P, L401P, L433P.
Identifiers: ClinVar variation 3897312 (VCV003897312.1).

ClinVar aggregate classification (germline): Uncertain significance (1 of 4 stars; one submission).

Submission:

GeneDx
Classification: Uncertain significance. Last evaluated: 2024-10-29. Review status: criteria provided, single submitter. Criteria: GeneDx Variant Classification Process June 2021. Collection method: clinical testing. Allele origin: germline. Affected: yes.
Comment: Not observed at significant frequency in large population cohorts (gnomAD); In silico analysis supports that this missense variant has a deleterious effect on protein structure/function; Has not been previously published as pathogenic or benign to our knowledge